The following is an entry in ClinVar:

NM_000528.4(MAN2B1):c.1454G>C (p.Gly485Ala)

Gene: MAN2B1 (mannosidase alpha class 2B member 1; minus strand). Cytogenetic location: 19p13.13.
Variant type: single nucleotide variant.
Coding change: c.1454G>C on transcript NM_000528.4 (MANE Select); coding-DNA position 1454, G replaced by C.
Protein change: p.Gly485Ala; replaces glycine 485 with alanine.
Molecular consequence: missense variant.
Genome position (GRCh38, 1-based): chr19:12,657,022, C>G on the plus strand (G>C on the coding strand, the complement: MAN2B1 is on the minus strand). VCF-style: chr19-12657022-C-G. GRCh37 (hg19) VCF-style: chr19-12767836-C-G.
Other names: c.1451G>C, p.Gly484Ala (NM_001173498.2); short protein forms G484A, G485A.
Identifiers: ClinVar variation 1515981 (VCV001515981.6), dbSNP rs373553609, ClinGen allele CA404246409.

ClinVar aggregate classification (germline): Uncertain significance (1 of 4 stars; one submission).

Conditions:
Deficiency of alpha-mannosidase (MANSA). Also called: Alpha-Mannosidosis; LYSOSOMAL ALPHA-D-MANNOSIDASE DEFICIENCY; Mannosidosis, alpha-, types I and II. Identifiers: Orphanet 61, MedGen C0024748, MONDO:0009561, OMIM 248500.

gnomAD v4.1: 1 of 1,613,252 alleles (0.000062%); highest among the groups gnomAD compares: Non-Finnish European, 0.000085%; no homozygotes.

Submission:

Labcorp Genetics (formerly Invitae), Labcorp
Classification: Uncertain significance for Deficiency of alpha-mannosidase. Last evaluated: 2021-10-02. Review status: criteria provided, single submitter. Criteria: Invitae Variant Classification Sherloc (09022015). Collection method: clinical testing. Allele origin: germline.
Comment: This variant is not present in population databases (ExAC no frequency). This sequence change replaces glycine with alanine at codon 485 of the MAN2B1 protein (p.Gly485Ala). The glycine residue is moderately conserved and there is a small physicochemical difference between glycine and alanine. This variant has not been reported in the literature in individuals affected with MAN2B1-related conditions. In summary, the available evidence is currently insufficient to determine the role of this variant in disease. Therefore, it has been classified as a Variant of Uncertain Significance. Algorithms developed to predict the effect of missense changes on protein structure and function (SIFT, PolyPhen-2, Align-GVGD) all suggest that this variant is likely to be tolerated.